The following is an entry in ClinVar:

NM_152618.3(BBS12):c.1021T>A (p.Ser341Thr)

Gene: BBS12 (Bardet-Biedl syndrome 12; plus strand). Cytogenetic location: 4q27.
Variant type: single nucleotide variant.
Coding change: c.1021T>A on transcript NM_152618.3 (MANE Select); coding-DNA position 1021, T replaced by A.
Protein change: p.Ser341Thr; replaces serine 341 with threonine.
Molecular consequence: missense variant.
Genome position (GRCh38, 1-based): chr4:122,742,913, T>A. VCF-style: chr4-122742913-T-A. GRCh37 (hg19) VCF-style: chr4-123664068-T-A.
Other names: c.1021T>A, p.Ser341Thr (NM_001178007.2); short protein forms S341T.
Identifiers: ClinVar variation 4982280 (VCV004982280.1).

ClinVar aggregate classification (germline): Uncertain significance (1 of 4 stars; one submission).

Conditions:
BBS12-related disorder. Also called: BBS12-related condition.

Submission:

PreventionGenetics, part of Exact Sciences
Classification: Uncertain significance for BBS12-related condition. Last evaluated: 2026-09-18. Review status: criteria provided, single submitter. Criteria: ACMG Guidelines, 2015. Collection method: clinical testing. Allele origin: germline.
Comment: The BBS12 c.1021T>A variant is predicted to result in the amino acid substitution p.Ser341Thr. To our knowledge, this variant has not been reported in the literature or in a large population database (gnomAD), indicating this variant is rare. At this time, the clinical significance of this variant is uncertain due to the absence of conclusive functional and genetic evidence.